The following is an entry in ClinVar:

ClinVar aggregate classification (germline): Likely benign. Review status: criteria provided, single submitter (1 of 4 stars). 2 submissions from 2 submitters: Likely benign (1). 1 of the submissions does not count toward it. Last evaluated 2026-08-01.

Conditions:
ASH1L-related disorder. Also called: ASH1L-related condition.

Allele frequency attached by ClinVar (database versions not stated): gnomAD exomes 0.00021; gnomAD 0.00043; TOPMed 0.00043; ExAC 0.00082; 1000 Genomes Project 30x 0.00312; 1000 Genomes Project 0.00359.
gnomAD v4.1: 402 of 1,614,202 alleles (0.025%); highest among the groups gnomAD compares: East Asian, 0.76%; 1 homozygote.

Submissions (2):

CeGaT Center for Human Genetics Tuebingen
Classification: Likely benign. Last evaluated: 2026-08-01. Review status: criteria provided, single submitter. Criteria: CeGaT Center For Human Genetics Tuebingen Variant Classification Criteria Version 2. Collection method: clinical testing. Allele origin: germline. Affected: yes. Observed: 1 variant allele.
Comment: ASH1L: BP4, BS1

PreventionGenetics, part of Exact Sciences
Classification: Benign for ASH1L-related condition. Last evaluated: 2019-03-20. Review status: no assertion criteria provided. Collection method: clinical testing. Allele origin: germline. Not counted in ClinVar's aggregate classification.
Comment: This variant is classified as benign based on ACMG/AMP sequence variant interpretation guidelines (Richards et al. 2015 PMID: 25741868, with internal and published modifications).

NM_018489.3(ASH1L):c.829A>G (p.Ser277Gly)

Gene: ASH1L (ASH1 like histone lysine methyltransferase; minus strand). Cytogenetic location: 1q22.
Variant type: single nucleotide variant.
Coding change: c.829A>G on transcript NM_018489.3 (MANE Select); coding-DNA position 829, A replaced by G.
Protein change: p.Ser277Gly; replaces serine 277 with glycine.
Molecular consequence: missense variant.
Genome position (GRCh38, 1-based): chr1:155,482,041, T>C on the plus strand (A>G on the coding strand, the complement: ASH1L is on the minus strand). VCF-style: chr1-155482041-T-C. GRCh37 (hg19) VCF-style: chr1-155451832-T-C.
Other names: c.829A>G, p.Ser277Gly (NM_001366177.2); short protein forms S277G.
Identifiers: ClinVar variation 3048190 (VCV003048190.3), dbSNP rs186255422, ClinGen allele CA1147426.